The following is an entry in ClinVar:

NM_001354483.2(CSGALNACT1):c.583G>T (p.Ala195Ser)

Gene: CSGALNACT1 (chondroitin sulfate N-acetylgalactosaminyltransferase 1; minus strand). Cytogenetic location: 8p21.3.
Variant type: single nucleotide variant.
Coding change: c.583G>T on transcript NM_001354483.2 (MANE Select); coding-DNA position 583, G replaced by T.
Protein change: p.Ala195Ser; replaces alanine 195 with serine.
Molecular consequence: missense variant. On other transcripts: non-coding transcript variant (7).
Genome position (GRCh38, 1-based): chr8:19,505,252, C>A on the plus strand (G>T on the coding strand, the complement: CSGALNACT1 is on the minus strand). VCF-style: chr8-19505252-C-A. GRCh37 (hg19) VCF-style: chr8-19362763-C-A.
Other names: c.583G>T (NM_001130518.1); c.583G>T, p.Ala195Ser (NM_001130518.2, NM_001354475.2, NM_001354476.2 and 18 more transcripts); short protein forms A195S.
Identifiers: ClinVar variation 1495492 (VCV001495492.6), dbSNP rs757471521, ClinGen allele CA4654208.

ClinVar aggregate classification (germline): Uncertain significance. Review status: criteria provided, multiple submitters, no conflicts (2 of 4 stars). 2 submissions from 2 submitters: Uncertain significance (2). Last evaluated 2025-07-12.

Conditions:
Inborn genetic diseases. Identifiers: MedGen C0950123, MeSH D030342.

Allele frequency attached by ClinVar (database versions not stated): gnomAD 0.00001; ExAC 0.00002; gnomAD exomes 0.00002; TOPMed 0.00004.
gnomAD v4.1: 47 of 1,614,030 alleles (0.0029%); highest among the groups gnomAD compares: Non-Finnish European, 0.0038%; no homozygotes.

Submissions (2):

Ambry Genetics
Classification: Uncertain significance for Inborn genetic diseases. Last evaluated: 2025-07-12. Review status: criteria provided, single submitter. Criteria: Ambry Variant Classification Scheme 2023. Collection method: clinical testing. Allele origin: germline.

Labcorp Genetics (formerly Invitae), Labcorp
Classification: Uncertain significance. Last evaluated: 2025-05-16. Review status: criteria provided, single submitter. Criteria: Invitae Variant Classification Sherloc (09022015). Collection method: clinical testing. Allele origin: germline.
Comment: This sequence change replaces alanine, which is neutral and non-polar, with serine, which is neutral and polar, at codon 195 of the CSGALNACT1 protein (p.Ala195Ser). The frequency data for this variant in the population databases is considered unreliable, as metrics indicate poor data quality at this position in the gnomAD database. This variant has not been reported in the literature in individuals affected with CSGALNACT1-related conditions. ClinVar contains an entry for this variant (Variation ID: 1495492). Invitae Evidence Modeling of protein sequence and biophysical properties (such as structural, functional, and spatial information, amino acid conservation, physicochemical variation, residue mobility, and thermodynamic stability) indicates that this missense variant is not expected to disrupt CSGALNACT1 protein function with a negative predictive value of 80%. In summary, the available evidence is currently insufficient to determine the role of this variant in disease. Therefore, it has been classified as a Variant of Uncertain Significance.